The following is an entry in ClinVar:

ClinVar aggregate classification (germline): Uncertain significance (1 of 4 stars; one submission).

Conditions:
Muscular dystrophy-dystroglycanopathy (congenital with brain and eye anomalies), type A13. Also called: WALKER-WARBURG SYNDROME OR MUSCLE-EYE-BRAIN DISEASE, B3GNT1-RELATED; Muscular dystrophy-dystroglycanopathy (congenital with brain and eye anomalies), type a, 13. Identifiers: Orphanet 899, MedGen C3809042, MONDO:0014120, OMIM 615287.

Allele frequency attached by ClinVar (database versions not stated): gnomAD exomes below 0.00001; ExAC 0.00001; gnomAD 0.00002; TOPMed 0.00002.

Submission:

Labcorp Genetics (formerly Invitae), Labcorp
Classification: Uncertain significance for Muscular dystrophy-dystroglycanopathy (congenital with brain and eye anomalies), type A13. Last evaluated: 2022-09-07. Review status: criteria provided, single submitter. Criteria: Invitae Variant Classification Sherloc (09022015). Collection method: clinical testing. Allele origin: germline.
Comment: This sequence change replaces arginine, which is basic and polar, with proline, which is neutral and non-polar, at codon 171 of the B4GAT1 protein (p.Arg171Pro). This variant is present in population databases (rs767498508, gnomAD 0.001%). This variant has not been reported in the literature in individuals affected with B4GAT1-related conditions. ClinVar contains an entry for this variant (Variation ID: 1021545). Algorithms developed to predict the effect of missense changes on protein structure and function (SIFT, PolyPhen-2, Align-GVGD) all suggest that this variant is likely to be tolerated. In summary, the available evidence is currently insufficient to determine the role of this variant in disease. Therefore, it has been classified as a Variant of Uncertain Significance.

NM_006876.3(B4GAT1):c.512G>C (p.Arg171Pro)

Gene: B4GAT1 (beta-1,4-glucuronyltransferase 1; minus strand). Cytogenetic location: 11q13.2.
Variant type: single nucleotide variant.
Coding change: c.512G>C on transcript NM_006876.3 (MANE Select); coding-DNA position 512, G replaced by C.
Protein change: p.Arg171Pro; replaces arginine 171 with proline.
Molecular consequence: missense variant.
Genome position (GRCh38, 1-based): chr11:66,347,034, C>G on the plus strand (G>C on the coding strand, the complement: B4GAT1 is on the minus strand). VCF-style: chr11-66347034-C-G. GRCh37 (hg19) VCF-style: chr11-66114505-C-G.
Other names: short protein forms R171P.
Identifiers: ClinVar variation 1021545 (VCV001021545.6), dbSNP rs767498508, ClinGen allele CA6120548.